The following is an entry in ClinVar:

ClinVar aggregate classification (germline): Uncertain significance (1 of 4 stars; one submission).

Allele frequency attached by ClinVar (database versions not stated): gnomAD exomes below 0.00001; gnomAD 0.00001 and 0.00002; TOPMed 0.00002.

Submission:

Labcorp Genetics (formerly Invitae), Labcorp
Classification: Uncertain significance. Last evaluated: 2022-11-08. Review status: criteria provided, single submitter. Criteria: Invitae Variant Classification Sherloc (09022015). Collection method: clinical testing. Allele origin: germline.
Comment: This sequence change replaces alanine, which is neutral and non-polar, with glycine, which is neutral and non-polar, at codon 451 of the MOCS3 protein (p.Ala451Gly). This variant is present in population databases (no rsID available, gnomAD 0.01%). This variant has not been reported in the literature in individuals affected with MOCS3-related conditions. ClinVar contains an entry for this variant (Variation ID: 1508653). Algorithms developed to predict the effect of missense changes on protein structure and function (SIFT, PolyPhen-2, Align-GVGD) all suggest that this variant is likely to be tolerated. In summary, the available evidence is currently insufficient to determine the role of this variant in disease. Therefore, it has been classified as a Variant of Uncertain Significance.

NM_014484.5(MOCS3):c.1352C>G (p.Ala451Gly)

Gene: MOCS3 (molybdenum cofactor synthesis 3; plus strand). Cytogenetic location: 20q13.13.
Variant type: single nucleotide variant.
Coding change: c.1352C>G on transcript NM_014484.5 (MANE Select); coding-DNA position 1352, C replaced by G.
Protein change: p.Ala451Gly; replaces alanine 451 with glycine.
Molecular consequence: missense variant.
Genome position (GRCh38, 1-based): chr20:50,960,194, C>G. VCF-style: chr20-50960194-C-G. GRCh37 (hg19) VCF-style: chr20-49576731-C-G.
Other names: short protein forms A451G.
Identifiers: ClinVar variation 1508653 (VCV001508653.8), dbSNP rs1453887226, ClinGen allele CA408986936.